The following is an entry in ClinVar:

NM_004656.4(BAP1):c.757C>A (p.Gln253Lys)

Gene: BAP1 (BRCA1 associated deubiquitinase 1; minus strand). Cytogenetic location: 3p21.1.
Variant type: single nucleotide variant.
Coding change: c.757C>A on transcript NM_004656.4 (MANE Select); coding-DNA position 757, C replaced by A.
Protein change: p.Gln253Lys; replaces glutamine 253 with lysine.
Molecular consequence: missense variant.
Genome position (GRCh38, 1-based): chr3:52,406,279, G>T on the plus strand (C>A on the coding strand, the complement: BAP1 is on the minus strand). VCF-style: chr3-52406279-G-T. GRCh37 (hg19) VCF-style: chr3-52440295-G-T.
Other names: short protein forms Q253K.
Identifiers: ClinVar variation 850655 (VCV000850655.13), dbSNP rs776240891, ClinGen allele CA2437009.

ClinVar aggregate classification (germline): Conflicting classifications of pathogenicity. Review status: criteria provided, conflicting classifications (1 of 4 stars). 3 submissions from 3 submitters: Uncertain significance (2); Likely benign (1). Last evaluated 2025-11-10.

Conditions:
BAP1-related tumor predisposition syndrome (TPDS1). Also called: COMMON Syndrome; Tumor susceptibility linked to germline BAP1 mutations; TUMOR PREDISPOSITION SYNDROME 1; BAP1 tumor predisposition syndrome. Identifiers: Orphanet 289539, MedGen C3280492, MONDO:0013692, OMIM 614327.
Hereditary cancer-predisposing syndrome. Also called: Tumor predisposition; Neoplastic Syndromes, Hereditary; Hereditary neoplastic syndrome; Hereditary Cancer Syndrome. Identifiers: Orphanet 140162, MedGen C0027672, MeSH D009386, MONDO:0015356.

Allele frequency attached by ClinVar (database versions not stated): ExAC 0.00001; gnomAD exomes 0.00002.
gnomAD v4.1: 13 of 1,614,210 alleles (0.00081%); highest among the groups gnomAD compares: South Asian, 0.014%; no homozygotes.

Submissions (3):

Labcorp Genetics (formerly Invitae), Labcorp
Classification: Uncertain significance for BAP1-related tumor predisposition syndrome. Last evaluated: 2025-11-10. Review status: criteria provided, single submitter. Criteria: Invitae Variant Classification Sherloc (09022015). Collection method: clinical testing. Allele origin: germline.
Comment: This sequence change replaces glutamine, which is neutral and polar, with lysine, which is basic and polar, at codon 253 of the BAP1 protein (p.Gln253Lys). This variant is present in population databases (rs776240891, gnomAD 0.01%). This variant has not been reported in the literature in individuals affected with BAP1-related conditions. ClinVar contains an entry for this variant (Variation ID: 850655). Invitae Evidence Modeling of protein sequence and biophysical properties (such as structural, functional, and spatial information, amino acid conservation, physicochemical variation, residue mobility, and thermodynamic stability) indicates that this missense variant is not expected to disrupt BAP1 protein function with a negative predictive value of 80%. Experimental studies have shown that this missense change does not substantially affect BAP1 function (PMID: 26416890). In summary, the available evidence is currently insufficient to determine the role of this variant in disease. Therefore, it has been classified as a Variant of Uncertain Significance.

Color Diagnostics, LLC DBA Color Health
Classification: Uncertain significance for Hereditary cancer-predisposing syndrome. Last evaluated: 2024-06-17. Review status: criteria provided, single submitter. Criteria: ACMG Guidelines, 2015. Collection method: clinical testing. Allele origin: germline.
Comment: This missense variant replaces glutamine with lysine at codon 253 of the BAP1 protein. Computational prediction suggests that this variant may not impact protein structure and function. A functional study demonstrated that this variant had little to no impact on BAP1 deubiquitinase activity or interaction with the ASXL2 protein (PMID: 26416890). This variant has not been reported in individuals affected with BAP1-related disorders in the literature. This variant has been identified in 4/251308 chromosomes in the general population by the Genome Aggregation Database (gnomAD). The available evidence is insufficient to determine the role of this variant in disease conclusively. Therefore, this variant is classified as a Variant of Uncertain Significance.

Ambry Genetics
Classification: Likely benign for Hereditary cancer-predisposing syndrome. Last evaluated: 2022-05-23. Review status: criteria provided, single submitter. Criteria: Ambry Variant Classification Scheme 2023. Collection method: clinical testing. Allele origin: germline.

Literature cited by the submitters: PubMed 26416890 (cited by Labcorp Genetics (formerly Invitae), Labcorp and Color Diagnostics, LLC DBA Color Health).